The following is an entry in ClinVar:

ClinVar aggregate classification (germline): Conflicting classifications of pathogenicity. Review status: criteria provided, conflicting classifications (1 of 4 stars). 5 submissions from 5 submitters: Uncertain significance (1); Benign (1); Likely benign (2). 1 of the submissions does not count toward it. Last evaluated 2025-11-25.

Conditions:
ASPM-related disorder. Also called: ASPM-related condition.
Microcephaly 5, primary, autosomal recessive (MCPH5). Also called: ASPM Primary Microcephaly. Identifiers: Orphanet 2512, MedGen C1837501, MONDO:0012106, OMIM 608716.

Allele frequency attached by ClinVar (database versions not stated): gnomAD exomes 0.00053; ExAC 0.00055; gnomAD 0.00005 and 0.00006; TOPMed 0.00030.
gnomAD v4.1: 155 of 1,613,682 alleles (0.0096%); highest among the groups gnomAD compares: Admixed American, 0.25%; 1 homozygote.

Submissions (5):

Labcorp Genetics (formerly Invitae), Labcorp
Classification: Likely benign. Last evaluated: 2025-11-25. Review status: criteria provided, single submitter. Criteria: Invitae Variant Classification Sherloc (09022015). Collection method: clinical testing. Allele origin: germline.

GeneDx
Classification: Likely benign. Last evaluated: 2021-04-08. Review status: criteria provided, single submitter. Criteria: GeneDx Variant Classification (06012015). Collection method: clinical testing. Allele origin: germline. Affected: yes.

Eurofins Ntd Llc (ga)
Classification: Benign. Last evaluated: 2016-02-26. Review status: criteria provided, single submitter. Criteria: EGL Classification Definitions 2015. Collection method: clinical testing. Allele origin: germline. Observed: 1 variant allele, 1 heterozygote.

Genetic Services Laboratory, University of Chicago
Classification: Uncertain significance for Microcephaly 5, primary, autosomal recessive. Last evaluated: 2013-02-08. Review status: criteria provided, single submitter. Criteria: ACMG Guidelines, 2007. Collection method: clinical testing. Allele origin: germline. Inheritance: Autosomal recessive inheritance.

PreventionGenetics, part of Exact Sciences
Classification: Likely benign for ASPM-related condition. Last evaluated: 2020-01-22. Review status: no assertion criteria provided. Collection method: clinical testing. Allele origin: germline. Not counted in ClinVar's aggregate classification.
Comment: This variant is classified as likely benign based on ACMG/AMP sequence variant interpretation guidelines (Richards et al. 2015 PMID: 25741868, with internal and published modifications).

NM_018136.5(ASPM):c.2914T>G (p.Leu972Val)

Gene: ASPM (assembly factor for spindle microtubules; minus strand). Cytogenetic location: 1q31.3.
Variant type: single nucleotide variant.
Coding change: c.2914T>G on transcript NM_018136.5 (MANE Select); coding-DNA position 2914, T replaced by G.
Protein change: p.Leu972Val; replaces leucine 972 with valine.
Molecular consequence: missense variant.
Genome position (GRCh38, 1-based): chr1:197,128,512, A>C on the plus strand (T>G on the coding strand, the complement: ASPM is on the minus strand). VCF-style: chr1-197128512-A-C. GRCh37 (hg19) VCF-style: chr1-197097642-A-C.
Other names: c.2914T>G, p.Leu972Val (NM_001206846.2); short protein forms L972V.
Identifiers: ClinVar variation 157798 (VCV000157798.21), dbSNP rs552158003, ClinGen allele CA271019.